The following is an entry in ClinVar:

ClinVar aggregate classification (germline): Uncertain significance (1 of 4 stars; one submission).

Conditions:
Cardiovascular phenotype. Identifiers: MedGen CN230736.

Allele frequency attached by ClinVar (database versions not stated): gnomAD 0.00001; gnomAD exomes 0.00001; TOPMed 0.00001.
gnomAD v4.1: 8 of 1,613,432 alleles (0.0005%); highest among the groups gnomAD compares: Non-Finnish European, 0.00068%; no homozygotes.

Submission:

Ambry Genetics
Classification: Uncertain significance for Cardiovascular phenotype. Last evaluated: 2025-05-03. Review status: criteria provided, single submitter. Criteria: Ambry Variant Classification Scheme 2023. Collection method: clinical testing. Allele origin: germline.
Comment: The p.E1976V variant (also known as c.5927A>T), located in coding exon 16 of the TNXB gene, results from an A to T substitution at nucleotide position 5927. The glutamic acid at codon 1976 is replaced by valine, an amino acid with dissimilar properties. This amino acid position is conserved. In addition, this alteration is predicted to be tolerated by in silico analysis. Since supporting evidence is limited at this time, the clinical significance of this alteration remains unclear.

NM_001365276.2(TNXB):c.5927A>T (p.Glu1976Val)

Gene: TNXB (tenascin XB; minus strand). Cytogenetic location: 6p21.33.
Variant type: single nucleotide variant.
Coding change: c.5927A>T on transcript NM_001365276.2 (MANE Select); coding-DNA position 5927, A replaced by T.
Protein change: p.Glu1976Val; replaces glutamic acid 1976 with valine.
Molecular consequence: missense variant.
Genome position (GRCh38, 1-based): chr6:32,068,683, T>A on the plus strand (A>T on the coding strand, the complement: TNXB is on the minus strand). VCF-style: chr6-32068683-T-A. GRCh37 (hg19) VCF-style: chr6-32036460-T-A.
Other names: c.5927A>T, p.Glu1976Val (NM_019105.8); short protein forms E1976V.
Identifiers: ClinVar variation 1750533 (VCV001750533.3), dbSNP rs760212295, ClinGen allele CA136886901.
Genomic context (GRCh38, chr6:32,068,683, plus strand): 5'-GTCACGGTCAGCTCCCCCAGGCGAGGCTTGATGGGGGGCTCGGGGGTTGCGGTGGGAGGT[T>A]CTGAAGGCTTCTCCTCCTCCGGGACTGGACAGAGACATGGAAAGAGAGGACTGAGGTGGG-3'
Protein context (NP_001352205.1, residues 1966-1986): LTVPEEEKPS[Glu1976Val]PPTATPEPPI